The following is an entry in ClinVar:

NM_001042724.2(NECTIN2):c.533C>T (p.Thr178Met)

Gene: NECTIN2 (nectin cell adhesion molecule 2; plus strand). Cytogenetic location: 19q13.32.
Variant type: single nucleotide variant.
Coding change: c.533C>T on transcript NM_001042724.2 (MANE Select); coding-DNA position 533, C replaced by T.
Protein change: p.Thr178Met; replaces threonine 178 with methionine.
Molecular consequence: missense variant.
Genome position (GRCh38, 1-based): chr19:44,871,907, C>T. VCF-style: chr19-44871907-C-T. GRCh37 (hg19) VCF-style: chr19-45375164-C-T.
Other names: c.533C>T, p.Thr178Met (NM_002856.3); short protein forms T178M.
Identifiers: ClinVar variation 3049638 (VCV003049638.2), dbSNP rs41290104, ClinGen allele CA9505136.

ClinVar aggregate classification (germline): Likely benign (0 of 4 stars; one submission).

Conditions:
NECTIN2-related disorder. Also called: NECTIN2-related condition.

Allele frequency attached by ClinVar (database versions not stated): 1000 Genomes Project 0.00020; 1000 Genomes Project 30x 0.00031; ESP Exome Variant Server 0.00185.
gnomAD v4.1: 3,419 of 1,614,182 alleles (0.21%); highest among the groups gnomAD compares: Non-Finnish European, 0.27%; 5 homozygotes.

Submission:

PreventionGenetics, part of Exact Sciences
Classification: Likely benign for NECTIN2-related condition. Last evaluated: 2023-03-10. Review status: no assertion criteria provided. Collection method: clinical testing. Allele origin: germline.
Comment: This variant is classified as likely benign based on ACMG/AMP sequence variant interpretation guidelines (Richards et al. 2015 PMID: 25741868, with internal and published modifications).